The following is an entry in ClinVar:

ClinVar aggregate classification (germline): Uncertain significance (1 of 4 stars; one submission).

Conditions:
VPS13B-related disorder. Also called: VPS13B-related condition.

Submission:

PreventionGenetics, part of Exact Sciences
Classification: Uncertain significance for VPS13B-related condition. Last evaluated: 2025-09-16. Review status: criteria provided, single submitter. Criteria: ACMG Guidelines, 2015. Collection method: clinical testing. Allele origin: germline.
Comment: The VPS13B c.2901G>T variant is predicted to result in the amino acid substitution p.Gln967His. To our knowledge, this variant has not been reported in the literature or in a large population database (gnomAD), indicating this variant is rare. At this time, the clinical significance of this variant is uncertain due to the absence of conclusive functional and genetic evidence.

NM_152564.5(VPS13B):c.2901G>T (p.Gln967His)

Gene: VPS13B (vacuolar protein sorting 13 homolog B; plus strand). Cytogenetic location: 8q22.2.
Variant type: single nucleotide variant.
Coding change: c.2901G>T on transcript NM_152564.5 (MANE Select); coding-DNA position 2901, G replaced by T.
Protein change: p.Gln967His; replaces glutamine 967 with histidine.
Molecular consequence: missense variant.
Genome position (GRCh38, 1-based): chr8:99,384,284, G>T. VCF-style: chr8-99384284-G-T. GRCh37 (hg19) VCF-style: chr8-100396512-G-T.
Other names: c.2901G>T, p.Gln967His (NM_017890.5); short protein forms Q967H.
Identifiers: ClinVar variation 4999822 (VCV004999822.1).
Genomic context (GRCh38, chr8:99,384,284, plus strand): 5'-CAGTATACAAGGACTAGCAGTTAATATTGACCCAATCTTATATACGTGGCTCATCTATCA[G>T]CCTCAGAAACGAACAAGTAGACATATGCAACAGGTAAGAGATTTTTAAATAATTTTTTCT-3'
Protein context (NP_689777.3, residues 957-977): DPILYTWLIY[Gln967His]PQKRTSRHMQ